The following is an entry in ClinVar:

NM_016006.6(ABHD5):c.1025A>G (p.Lys342Arg)

Gene: ABHD5 (abhydrolase domain containing 5, lysophosphatidic acid acyltransferase; plus strand). Cytogenetic location: 3p21.33.
Variant type: single nucleotide variant.
Coding change: c.1025A>G on transcript NM_016006.6 (MANE Select); coding-DNA position 1025, A replaced by G.
Protein change: p.Lys342Arg; replaces lysine 342 with arginine.
Molecular consequence: missense variant. On other transcripts: 3 prime UTR variant (1), non-coding transcript variant (1).
Genome position (GRCh38, 1-based): chr3:43,718,507, A>G. VCF-style: chr3-43718507-A-G. GRCh37 (hg19) VCF-style: chr3-43759999-A-G.
Other names: c.1025A>G, p.Lys342Arg (NM_001355186.2); c.902A>G, p.Lys301Arg (NM_001365649.1); c.*1A>G (NM_001365650.1); short protein forms K342R, K301R.
Identifiers: ClinVar variation 345225 (VCV000345225.10), dbSNP rs754772724, ClinGen allele CA2341528.

ClinVar aggregate classification (germline): Uncertain significance. Review status: criteria provided, multiple submitters, no conflicts (2 of 4 stars). 4 submissions from 4 submitters: Uncertain significance (4). Last evaluated 2025-11-05.

Conditions:
ABHD5-related disorder. Also called: ABHD5-related condition.
Inborn genetic diseases. Identifiers: MedGen C0950123, MeSH D030342.
Triglyceride storage disease with ichthyosis (CDS). Also called: Dorfman-Chanarin disease; ICHTHYOSIFORM ERYTHRODERMA WITH LEUKOCYTE VACUOLATION; Chanarin-Dorfman Syndrome; TRIGLYCERIDE STORAGE DISEASE WITH IMPAIRED LONG-CHAIN FATTY ACID OXIDATION. Identifiers: Orphanet 98907, MedGen C0268238, MONDO:0010155, OMIM 275630.

Allele frequency attached by ClinVar (database versions not stated): ExAC 0.00002; gnomAD exomes 0.00002; gnomAD 0.00003 and 0.00004; TOPMed 0.00004.
gnomAD v4.1: 166 of 1,614,044 alleles (0.01%); highest among the groups gnomAD compares: Non-Finnish European, 0.014%; no homozygotes.

Submissions (4):

Ambry Genetics
Classification: Uncertain significance for Inborn genetic diseases. Last evaluated: 2025-11-05. Review status: criteria provided, single submitter. Criteria: Ambry Variant Classification Scheme 2023. Collection method: clinical testing. Allele origin: germline.

PreventionGenetics, part of Exact Sciences
Classification: Uncertain significance for ABHD5-related condition. Last evaluated: 2024-12-23. Review status: criteria provided, single submitter. Criteria: ACMG Guidelines, 2015. Collection method: clinical testing. Allele origin: germline.
Comment: The ABHD5 c.1025A>G variant is predicted to result in the amino acid substitution p.Lys342Arg. To our knowledge, this variant has not been reported in the literature. This variant is reported in 0.0050% of alleles in individuals of East Asian descent in gnomAD. At this time, the clinical significance of this variant is uncertain due to the absence of conclusive functional and genetic evidence.

Labcorp Genetics (formerly Invitae), Labcorp
Classification: Uncertain significance. Last evaluated: 2022-05-03. Review status: criteria provided, single submitter. Criteria: Invitae Variant Classification Sherloc (09022015). Collection method: clinical testing. Allele origin: germline.
Comment: This sequence change replaces lysine, which is basic and polar, with arginine, which is basic and polar, at codon 342 of the ABHD5 protein (p.Lys342Arg). This variant is present in population databases (rs754772724, gnomAD 0.005%). This variant has not been reported in the literature in individuals affected with ABHD5-related conditions. ClinVar contains an entry for this variant (Variation ID: 345225). Algorithms developed to predict the effect of missense changes on protein structure and function (SIFT, PolyPhen-2, Align-GVGD) all suggest that this variant is likely to be tolerated. Algorithms developed to predict the effect of sequence changes on RNA splicing suggest that this variant may create or strengthen a splice site. In summary, the available evidence is currently insufficient to determine the role of this variant in disease. Therefore, it has been classified as a Variant of Uncertain Significance.

Illumina Laboratory Services, Illumina
Classification: Uncertain significance for Triglyceride storage disease with ichthyosis. Last evaluated: 2018-01-13. Review status: criteria provided, single submitter. Criteria: ICSL Variant Classification Criteria 13 December 2019. Collection method: clinical testing. Allele origin: germline.